The following is an entry in ClinVar:

ClinVar aggregate classification (germline): Benign. Review status: reviewed by expert panel (3 of 4 stars). 3 submissions from 3 submitters: Benign (1). 2 of the submissions do not count toward it. Last evaluated 2020-05-13.

Conditions:
Hereditary thrombocytopenia and hematologic cancer predisposition syndrome. Identifiers: Orphanet 71290, MedGen CN281654, MONDO:0011071.
Hereditary thrombocytopenia and hematological cancer predisposition syndrome associated with RUNX1. Also called: PLATELET DISORDER, ASPIRIN-LIKE; RUNX1 Familial Platelet Disorder with Associated Myeloid Malignancies; Familial Platelet Disorder with Propensity to Acute Myelogenous Leukemia; Familial thrombocytopenia with propensity to acute myelogenous leukemia. Identifiers: Orphanet 71290, MedGen C1832388, MeSH C563324, MONDO:0100083, OMIM 601399.

Allele frequency attached by ClinVar (database versions not stated): TOPMed 0.02419; gnomAD 0.02605 and 0.02646; 1000 Genomes Project 0.01558; 1000 Genomes Project 30x 0.01608; gnomAD exomes 0.02938.
gnomAD v4.1: 6,344 of 233,686 alleles (2.7%); highest among the groups gnomAD compares: Non-Finnish European, 3.9%; 111 homozygotes.

Submissions (3):

ClinGen Myeloid Malignancy Variant Curation Expert Panel
Classification: Benign for Hereditary thrombocytopenia and hematologic cancer predisposition syndrome. Last evaluated: 2020-05-13. Review status: reviewed by expert panel. Criteria: ClinGen MyeloMalig ACMG Specifications v1. Collection method: curation. Allele origin: germline. Inheritance: Autosomal dominant inheritance.
Comment: The c.*2770C>G variant in the 3' UTR has an MAF of 0.03955 (3.9%, 2554/64570 alleles) in the non-Finnish European subpopulation of the gnomAD v3 cohort and is >= 0.0015 (0.15%) (BA1). This variant is detected in a homozygous state in 70 individuals in the gnomAD v3 population database (BP2). In summary, this variant meets criteria to be classified as benign. ACMG/AMP criteria applied, as specified by the Myeloid Malignancy Variant Curation Expert Panel for RUNX1: BA1, BP2.

Illumina Laboratory Services, Illumina
Classification: Benign for Hereditary thrombocytopenia and hematological cancer predisposition syndrome associated with RUNX1. Last evaluated: 2018-01-13. Review status: criteria provided, single submitter. Criteria: ICSL Variant Classification Criteria 13 December 2019. Collection method: clinical testing. Allele origin: germline. Not counted in ClinVar's aggregate classification.
Comment: This variant was observed in the ICSL laboratory as part of a predisposition screen in an ostensibly healthy population. It had not been previously curated by ICSL or reported in the Human Gene Mutation Database (HGMD: prior to June 1st, 2018), and was therefore a candidate for classification through an automated scoring system. Utilizing variant allele frequency, disease prevalence and penetrance estimates, and inheritance mode, an automated score was calculated to assess if this variant is too frequent to cause the disease. Based on the score and internal cut-off values, a variant classified as benign is not then subjected to further curation. The score for this variant resulted in a classification of benign for this disease.

Breakthrough Genomics
Classification: Benign. Review status: criteria provided, single submitter. Criteria: ACMG Guidelines, 2015. Collection method: not provided. Allele origin: germline. Inheritance: Autosomal dominant inheritance. Affected: yes. Not counted in ClinVar's aggregate classification.

NM_001754.5(RUNX1):c.*2770C>G

Gene: RUNX1 (RUNX family transcription factor 1; minus strand). Cytogenetic location: 21q22.12.
Variant type: single nucleotide variant.
Coding change: c.*2770C>G on transcript NM_001754.5 (MANE Select); 2770 bases downstream of the stop codon, C replaced by G.
Molecular consequence: 3 prime UTR variant.
Genome position (GRCh38, 1-based): chr21:34,789,365, G>C on the plus strand (C>G on the coding strand, the complement: RUNX1 is on the minus strand). VCF-style: chr21-34789365-G-C. GRCh37 (hg19) VCF-style: chr21-36161662-G-C.
Other names: c.*2770C>G (NM_001001890.3, NM_001754.4).
Identifiers: ClinVar variation 339821 (VCV000339821.7), dbSNP rs75192893, ClinGen allele CA10644623.